The following is an entry in ClinVar:

NM_005732.4(RAD50):c.3326T>C (p.Ile1109Thr)

Gene: RAD50 (RAD50 double strand break repair protein; plus strand). Cytogenetic location: 5q31.1.
Variant type: single nucleotide variant.
Coding change: c.3326T>C on transcript NM_005732.4 (MANE Select); coding-DNA position 3326, T replaced by C.
Protein change: p.Ile1109Thr; replaces isoleucine 1109 with threonine.
Molecular consequence: missense variant.
Genome position (GRCh38, 1-based): chr5:132,618,231, T>C. VCF-style: chr5-132618231-T-C. GRCh37 (hg19) VCF-style: chr5-131953923-T-C.
Other names: short protein forms I1109T.
Identifiers: ClinVar variation 3942176 (VCV003942176.1).
Genomic context (GRCh38, chr5:132,618,231, plus strand): 5'-AGAAAGAACTTCGAGAACCACAATTTCGGGATGCTGAGGAAAAGTATAGAGAAATGATGA[T>C]TGTTATGAGGACAACAGAACTTGTGAACAAGGATCTGGATATTTATTATAAGACTCTTGA-3'
Protein context (NP_005723.2, residues 1099-1119): DAEEKYREMM[Ile1109Thr]VMRTTELVNK

ClinVar aggregate classification (germline): Uncertain significance (1 of 4 stars; one submission).

Conditions:
Hereditary cancer-predisposing syndrome. Also called: Tumor predisposition; Hereditary neoplastic syndrome; Hereditary Cancer Syndrome; Neoplastic Syndromes, Hereditary. Identifiers: Orphanet 140162, MedGen C0027672, MeSH D009386, MONDO:0015356.

Submission:

Ambry Genetics
Classification: Uncertain significance for Hereditary cancer-predisposing syndrome. Last evaluated: 2025-05-01. Review status: criteria provided, single submitter. Criteria: Ambry Variant Classification Scheme 2023. Collection method: clinical testing. Allele origin: germline.
Comment: The p.I1109T variant (also known as c.3326T>C), located in coding exon 21 of the RAD50 gene, results from a T to C substitution at nucleotide position 3326. The isoleucine at codon 1109 is replaced by threonine, an amino acid with similar properties. This amino acid position is conserved. In addition, this alteration is predicted to be deleterious by in silico analysis. Based on the available evidence, the clinical significance of this variant remains unclear.